The following is an entry in ClinVar:

NM_001035.3(RYR2):c.13048G>C (p.Glu4350Gln)

Genes: RYR2 (ryanodine receptor 2; plus strand), LOC126806068 (BRD4-independent group 4 enhancer GRCh37_chr1:237947411-237948610; plus strand). Cytogenetic location: 1q43.
Variant type: single nucleotide variant.
Coding change: c.13048G>C on transcript NM_001035.3 (MANE Select); coding-DNA position 13048, G replaced by C.
Protein change: p.Glu4350Gln; replaces glutamic acid 4350 with glutamine.
Molecular consequence: missense variant.
Genome position (GRCh38, 1-based): chr1:237,784,760, G>C. VCF-style: chr1-237784760-G-C. GRCh37 (hg19) VCF-style: chr1-237948060-G-C.
Other names: short protein forms E4350Q.
Identifiers: ClinVar variation 3633840 (VCV003633840.2).

ClinVar aggregate classification (germline): Uncertain significance (1 of 4 stars; one submission).

Conditions:
Catecholaminergic polymorphic ventricular tachycardia 1. Also called: VENTRICULAR TACHYCARDIA, CATECHOLAMINERGIC POLYMORPHIC, 1, WITH OR WITHOUT ATRIAL DYSFUNCTION AND/OR DILATED CARDIOMYOPATHY; RYR2-Related Catecholaminergic Polymorphic Ventricular Tachycardia; VENTRICULAR TACHYCARDIA, STRESS-INDUCED POLYMORPHIC 1. Identifiers: Orphanet 3286, MedGen C1631597, MONDO:0011484, OMIM 604772.

Submission:

Labcorp Genetics (formerly Invitae), Labcorp
Classification: Uncertain significance for Catecholaminergic polymorphic ventricular tachycardia 1. Last evaluated: 2025-11-21. Review status: criteria provided, single submitter. Criteria: Invitae Variant Classification Sherloc (09022015). Collection method: clinical testing. Allele origin: germline.
Comment: This sequence change replaces glutamic acid, which is acidic and polar, with glutamine, which is neutral and polar, at codon 4350 of the RYR2 protein (p.Glu4350Gln). This variant is not present in population databases (gnomAD no frequency). This variant has not been reported in the literature in individuals affected with RYR2-related conditions. ClinVar contains an entry for this variant (Variation ID: 3633840). Invitae Evidence Modeling of protein sequence and biophysical properties (such as structural, functional, and spatial information, amino acid conservation, physicochemical variation, residue mobility, and thermodynamic stability) indicates that this missense variant is not expected to disrupt RYR2 protein function with a negative predictive value of 95%. In summary, the available evidence is currently insufficient to determine the role of this variant in disease. Therefore, it has been classified as a Variant of Uncertain Significance.